The following is an entry in ClinVar:

ClinVar aggregate classification (germline): Conflicting classifications of pathogenicity. Review status: criteria provided, conflicting classifications (1 of 4 stars). 6 submissions from 6 submitters: Uncertain significance (2); Likely benign (2). 2 of the submissions do not count toward it. Last evaluated 2025-04-14.

Conditions:
Hereditary cancer-predisposing syndrome. Also called: Neoplastic Syndromes, Hereditary; Tumor predisposition; Hereditary Cancer Syndrome; Hereditary neoplastic syndrome. Identifiers: Orphanet 140162, MedGen C0027672, MeSH D009386, MONDO:0015356.
Hereditary breast ovarian cancer syndrome. Also called: Hereditary breast and ovarian cancer syndrome; Hereditary breast and ovarian cancer; Hereditary breast and ovarian cancer syndrome (HBOC); Breast and ovarian cancer; Hereditary breast and/or ovarian cancer syndrome; BRCA1- and BRCA2-Associated Hereditary Breast and Ovarian Cancer. Identifiers: Orphanet 145, MedGen C0677776, MeSH D061325, MONDO:0003582. Disease mechanism: loss of function.
Breast-ovarian cancer, familial, susceptibility to, 2 (BROVCA2). Also called: BRCA2 Hereditary Breast and Ovarian Cancer. Identifiers: Orphanet 145, MedGen C2675520, MONDO:0012933, OMIM 612555. Disease mechanism: loss of function.

Allele frequency attached by ClinVar (database versions not stated): gnomAD 0.00001.
gnomAD v4.1: 2 of 1,610,920 alleles (0.00012%); highest among the groups gnomAD compares: Non-Finnish European, 0.00017%; no homozygotes.

Submissions (6):

Color Diagnostics, LLC DBA Color Health
Classification: Uncertain significance for Hereditary cancer-predisposing syndrome. Last evaluated: 2025-04-14. Review status: criteria provided, single submitter. Criteria: ACMG Guidelines, 2015. Collection method: clinical testing. Allele origin: germline.
Comment: This missense variant replaces aspartic acid with glycine at codon 806 of the BRCA2 protein. Computational prediction suggests that this variant may not impact protein structure and function. To our knowledge, functional studies have not been reported for this variant. This variant has not been reported in individuals affected with BRCA2-related disorders in the literature. This variant has been identified in 1/31406 chromosomes in the general population by the Genome Aggregation Database (gnomAD). The available evidence is insufficient to determine the role of this variant in disease conclusively. Therefore, this variant is classified as a Variant of Uncertain Significance.

Labcorp Genetics (formerly Invitae), Labcorp
Classification: Uncertain significance for Hereditary breast ovarian cancer syndrome. Last evaluated: 2023-06-21. Review status: criteria provided, single submitter. Criteria: Invitae Variant Classification Sherloc (09022015). Collection method: clinical testing. Allele origin: germline.
Comment: In summary, the available evidence is currently insufficient to determine the role of this variant in disease. Therefore, it has been classified as a Variant of Uncertain Significance. This sequence change replaces aspartic acid, which is acidic and polar, with glycine, which is neutral and non-polar, at codon 806 of the BRCA2 protein (p.Asp806Gly). This variant is present in population databases (rs80358506, gnomAD 0.007%). This variant has not been reported in the literature in individuals affected with BRCA2-related conditions. ClinVar contains an entry for this variant (Variation ID: 51279). Advanced modeling of protein sequence and biophysical properties (such as structural, functional, and spatial information, amino acid conservation, physicochemical variation, residue mobility, and thermodynamic stability) performed at Invitae indicates that this missense variant is not expected to disrupt BRCA2 protein function.

University of Washington Department of Laboratory Medicine, University of Washington
Classification: Likely benign for Hereditary cancer-predisposing syndrome. Last evaluated: 2023-03-23. Review status: criteria provided, single submitter. Criteria: Dines et al. (Genet Med. 2020). Collection method: curation. Allele origin: germline.
Comment: Missense variant in a coldspot region where missense variants are very unlikely to be pathogenic (PMID:31911673).

BRCA2 exon 11 coldspot. Reclassification based on statistical prior probability.

Ambry Genetics
Classification: Likely benign for Hereditary cancer-predisposing syndrome. Last evaluated: 2019-11-01. Review status: criteria provided, single submitter. Criteria: Ambry Variant Classification Scheme 2023. Collection method: clinical testing. Allele origin: germline.

Sharing Clinical Reports Project (SCRP)
Classification: Uncertain significance for Breast-ovarian cancer, familial 2. Last evaluated: 2007-10-04. Review status: no assertion criteria provided. Collection method: clinical testing. Allele origin: germline. Not counted in ClinVar's aggregate classification.

Breast Cancer Information Core (BIC) (BRCA2)
Classification: Uncertain significance for Breast-ovarian cancer, familial 2. Last evaluated: 2003-12-23. Review status: no assertion criteria provided. Collection method: clinical testing. Allele origin: germline. Affected: yes. Observed: 1 variant allele. Not counted in ClinVar's aggregate classification.

NM_000059.4(BRCA2):c.2417A>G (p.Asp806Gly)

Gene: BRCA2 (BRCA2 DNA repair associated; plus strand). Cytogenetic location: 13q13.1.
Variant type: single nucleotide variant.
Coding change: c.2417A>G on transcript NM_000059.4 (MANE Select); coding-DNA position 2417, A replaced by G.
Protein change: p.Asp806Gly; replaces aspartic acid 806 with glycine.
Molecular consequence: missense variant.
Genome position (GRCh38, 1-based): chr13:32,336,772, A>G. VCF-style: chr13-32336772-A-G. GRCh37 (hg19) VCF-style: chr13-32910909-A-G.
Other names: short protein forms D806G.
Identifiers: ClinVar variation 51279 (VCV000051279.15), dbSNP rs80358506, ClinGen allele CA015187.
Genomic context (GRCh38, chr13:32,336,772, plus strand): 5'-CTAGAGGCAAAGAATCATACAAAATGTCAGACAAGCTCAAAGGTAACAATTATGAATCTG[A>G]TGTTGAATTAACCAAAAATATTCCCATGGAAAAGAATCAAGATGTATGTGCTTTAAATGA-3'
Protein context (NP_000050.3, residues 796-816): DKLKGNNYES[Asp806Gly]VELTKNIPME